The following is an entry in ClinVar:

NM_005359.6(SMAD4):c.460T>C (p.Ser154Pro)

Gene: SMAD4 (SMAD family member 4; plus strand). Cytogenetic location: 18q21.2.
Variant type: single nucleotide variant.
Coding change: c.460T>C on transcript NM_005359.6 (MANE Select); coding-DNA position 460, T replaced by C.
Protein change: p.Ser154Pro; replaces serine 154 with proline.
Molecular consequence: missense variant. On other transcripts: non-coding transcript variant (2).
Genome position (GRCh38, 1-based): chr18:51,054,786, T>C. VCF-style: chr18-51054786-T-C. GRCh37 (hg19) VCF-style: chr18-48581156-T-C.
Other names: c.460T>C, p.Ser154Pro (NM_001407041.1, NM_001407042.1, NM_001407043.1); short protein forms S154P.
Identifiers: ClinVar variation 2975307 (VCV002975307.3), dbSNP rs864622209, ClinGen allele CA402460589.

ClinVar aggregate classification (germline): Uncertain significance (1 of 4 stars; one submission).

Conditions:
Juvenile polyposis syndrome (JPS). Identifiers: Orphanet 2929, MedGen C0345893, MONDO:0017380, OMIM 174900.

Submission:

Labcorp Genetics (formerly Invitae), Labcorp
Classification: Uncertain significance for Juvenile polyposis syndrome. Last evaluated: 2023-11-10. Review status: criteria provided, single submitter. Criteria: Invitae Variant Classification Sherloc (09022015). Collection method: clinical testing. Allele origin: germline.
Comment: This sequence change replaces serine, which is neutral and polar, with proline, which is neutral and non-polar, at codon 154 of the SMAD4 protein (p.Ser154Pro). This variant is not present in population databases (gnomAD no frequency). This variant has not been reported in the literature in individuals affected with SMAD4-related conditions. Advanced modeling of protein sequence and biophysical properties (such as structural, functional, and spatial information, amino acid conservation, physicochemical variation, residue mobility, and thermodynamic stability) performed at Invitae indicates that this missense variant is not expected to disrupt SMAD4 protein function with a negative predictive value of 95%. In summary, the available evidence is currently insufficient to determine the role of this variant in disease. Therefore, it has been classified as a Variant of Uncertain Significance.